The following is an entry in ClinVar:

ClinVar aggregate classification (germline): Likely benign. Review status: criteria provided, single submitter (1 of 4 stars). 2 submissions from 2 submitters: Likely benign (1). 1 of the submissions does not count toward it. Last evaluated 2023-12-01.

Conditions:
GIGYF2-related disorder. Also called: GIGYF2-related condition.

Allele frequency attached by ClinVar (database versions not stated): gnomAD 0.00267; TOPMed 0.00312; ESP Exome Variant Server 0.00331; 1000 Genomes Project 0.00459; 1000 Genomes Project 30x 0.00484.
gnomAD v4.1: 781 of 1,598,206 alleles (0.049%); highest among the groups gnomAD compares: African/African-American, 0.89%; 5 homozygotes.

Submissions (2):

CeGaT Center for Human Genetics Tuebingen
Classification: Likely benign. Last evaluated: 2023-12-01. Review status: criteria provided, single submitter. Criteria: CeGaT Center For Human Genetics Tuebingen Variant Classification Criteria Version 2. Collection method: clinical testing. Allele origin: germline. Affected: yes. Observed: 1 variant allele.
Comment: GIGYF2: BS2

PreventionGenetics, part of Exact Sciences
Classification: Benign for GIGYF2-related condition. Last evaluated: 2019-05-24. Review status: no assertion criteria provided. Collection method: clinical testing. Allele origin: germline. Not counted in ClinVar's aggregate classification.
Comment: This variant is classified as benign based on ACMG/AMP sequence variant interpretation guidelines (Richards et al. 2015 PMID: 25741868, with internal and published modifications).

NM_001103146.3(GIGYF2):c.1910C>T (p.Ala637Val)

Gene: GIGYF2 (GRB10 interacting GYF protein 2; plus strand). Cytogenetic location: 2q37.1.
Variant type: single nucleotide variant.
Coding change: c.1910C>T on transcript NM_001103146.3 (MANE Select); coding-DNA position 1910, C replaced by T.
Protein change: p.Ala637Val; replaces alanine 637 with valine.
Molecular consequence: missense variant. On other transcripts: non-coding transcript variant (1).
Genome position (GRCh38, 1-based): chr2:232,811,255, C>T. VCF-style: chr2-232811255-C-T. GRCh37 (hg19) VCF-style: chr2-233675965-C-T.
Other names: c.1973C>T, p.Ala658Val (NM_001103147.2); c.1892C>T, p.Ala631Val (NM_001103148.2); c.1910C>T, p.Ala637Val (NM_015575.4); c.1910C>T (NM_001103146.1); short protein forms A631V, A637V, A658V.
Identifiers: ClinVar variation 3025222 (VCV003025222.23), dbSNP rs74560358, ClinGen allele CA2170475.